The following is an entry in ClinVar:

NM_000458.4(HNF1B):c.410G>A (p.Arg137Lys)

Gene: HNF1B (HNF1 homeobox B; minus strand). Cytogenetic location: 17q12.
Variant type: single nucleotide variant.
Coding change: c.410G>A on transcript NM_000458.4 (MANE Select); coding-DNA position 410, G replaced by A.
Protein change: p.Arg137Lys; replaces arginine 137 with lysine.
Molecular consequence: missense variant.
Genome position (GRCh38, 1-based): chr17:37,739,574, C>T on the plus strand (G>A on the coding strand, the complement: HNF1B is on the minus strand). VCF-style: chr17-37739574-C-T. GRCh37 (hg19) VCF-style: chr17-36099565-C-T.
Other names: c.410G>A, p.Arg137Lys (NM_001165923.4, NM_001304286.2); short protein forms R137K.
Identifiers: ClinVar variation 1526083 (VCV001526083.1), dbSNP rs2147575425, ClinGen allele CA398751552.

ClinVar aggregate classification (germline): Uncertain significance (1 of 4 stars; one submission).

Conditions:
Type 2 diabetes mellitus. Also called: Type II diabetes mellitus. Identifiers: MedGen C0011860, MeSH D003924, MONDO:0005148, OMIM 125853, HP:0005978.

gnomAD v4.1: 1 of 1,614,138 alleles (0.000062%); highest among the groups gnomAD compares: Non-Finnish European, 0.000085%; no homozygotes.

Submission:

3billion
Classification: Uncertain significance for Type 2 diabetes mellitus. Last evaluated: 2022-03-22. Review status: criteria provided, single submitter. Criteria: ACMG Guidelines, 2015. Collection method: clinical testing. Allele origin: germline. Affected: yes. Observed: 1 heterozygote.
Comment: The variant is not observed in the gnomAD v2.1.1 dataset. In silico tool predictions suggest damaging effect of the variant on gene or gene product (REVEL: 0.878>=0.6, 3CNET: 0.978>=0.75). Therefore, this variant is classified as uncertain significance according to the recommendation of ACMG/AMP guideline.